The following is an entry in ClinVar:

NM_001122955.4(BSCL2):c.1291G>C (p.Ala431Pro)

Genes: BSCL2 (BSCL2 lipid droplet biogenesis associated, seipin; minus strand), HNRNPUL2-BSCL2 (HNRNPUL2-BSCL2 readthrough (NMD candidate); minus strand). Cytogenetic location: 11q12.3.
Variant type: single nucleotide variant.
Coding change: c.1291G>C on transcript NM_001122955.4 (MANE Select); coding-DNA position 1291, G replaced by C.
Protein change: p.Ala431Pro; replaces alanine 431 with proline.
Molecular consequence: missense variant. On other transcripts: 3 prime UTR variant (1), non-coding transcript variant (1).
Genome position (GRCh38, 1-based): chr11:62,690,465, C>G on the plus strand (G>C on the coding strand, the complement: BSCL2 is on the minus strand). VCF-style: chr11-62690465-C-G. GRCh37 (hg19) VCF-style: chr11-62457937-C-G.
Other names: c.*93G>C (NM_001130702.2); c.1297G>C, p.Ala433Pro (NM_001386027.1); c.1291G>C, p.Ala431Pro (NM_001386028.1); c.1099G>C, p.Ala367Pro (NM_032667.6); short protein forms A367P, A431P, A433P.
Identifiers: ClinVar variation 2993874 (VCV002993874.3), dbSNP rs1590868030, ClinGen allele CA380954648.

ClinVar aggregate classification (germline): Uncertain significance (1 of 4 stars; one submission).

Conditions:
Charcot-Marie-Tooth disease type 2. Also called: Charcot-Marie-Tooth type 2. Identifiers: Orphanet 64746, MedGen C0270914, MONDO:0018993.

Allele frequency attached by ClinVar (database versions not stated): gnomAD exomes below 0.00001.

Submission:

Labcorp Genetics (formerly Invitae), Labcorp
Classification: Uncertain significance for Charcot-Marie-Tooth disease type 2. Last evaluated: 2025-01-02. Review status: criteria provided, single submitter. Criteria: Invitae Variant Classification Sherloc (09022015). Collection method: clinical testing. Allele origin: germline.
Comment: This sequence change replaces alanine, which is neutral and non-polar, with proline, which is neutral and non-polar, at codon 367 of the BSCL2 protein (p.Ala367Pro). This variant is not present in population databases (gnomAD no frequency). This variant has not been reported in the literature in individuals affected with BSCL2-related conditions. ClinVar contains an entry for this variant (Variation ID: 2993874). An algorithm developed to predict the effect of missense changes on protein structure and function (PolyPhen-2) suggests that this variant is likely to be tolerated. In summary, the available evidence is currently insufficient to determine the role of this variant in disease. Therefore, it has been classified as a Variant of Uncertain Significance.